The following is an entry in ClinVar:

ClinVar aggregate classification (germline): Pathogenic (1 of 4 stars; one submission).

Conditions:
Renal tubulopathies.

Submission:

Genetics Laboratory, Great Ormond Street Hospital NHS Foundation Trust, North Thames Genomic Laboratory Hub
Classification: Pathogenic for Renal tubulopathies. Last evaluated: 2025-09-18. Review status: criteria provided, single submitter. Criteria: ACGS Best Practice Guidelines for Variant Classification in Rare Disease 2024 v1.2. Collection method: clinical testing. Allele origin: germline. Affected: yes.
Comment: PM2_moderate, PVS1_very-strong, PM3_supporting

NM_000336.3(SCNN1B):c.101_119del (p.Asn34fs)

Gene: SCNN1B (sodium channel epithelial 1 subunit beta; plus strand). Cytogenetic location: 16p12.2.
Variant type: Deletion.
Coding change: c.101_119del on transcript NM_000336.3 (MANE Select); coding-DNA positions 101 to 119, 19 bases deleted (ACACCCACGGCCCCAAGCG).
Protein change: p.Asn34fs; shifts the reading frame from asparagine 34.
Molecular consequence: frameshift variant.
Genome position (GRCh38, 1-based): chr16:23,348,700-23,348,718, ACACCCACGGCCCCAAGCG deleted. VCF-style (leftmost placement, unchanged base first): chr16-23348699-AACACCCACGGCCCCAAGCG-A. GRCh37 (hg19) VCF-style: chr16-23360020-AACACCCACGGCCCCAAGCG-A.
Other names: c.101_119del, p.Asn34fs (NM_001410900.1); short protein forms N34fs.
Identifiers: ClinVar variation 4528910 (VCV004528910.1).